The following is an entry in ClinVar:

NM_020778.5(ALPK3):c.4130-5T>G

Gene: ALPK3 (alpha kinase 3; plus strand). Cytogenetic location: 15q25.3.
Variant type: single nucleotide variant.
Coding change: c.4130-5T>G on transcript NM_020778.5 (MANE Select); 5 bases into the intron before coding-DNA position 4130, T replaced by G.
Molecular consequence: intron variant.
Genome position (GRCh38, 1-based): chr15:84,862,630, T>G. VCF-style: chr15-84862630-T-G. GRCh37 (hg19) VCF-style: chr15-85405861-T-G.
Identifiers: ClinVar variation 3664252 (VCV003664252.2).

ClinVar aggregate classification (germline): Uncertain significance (1 of 4 stars; one submission).

Submission:

Labcorp Genetics (formerly Invitae), Labcorp
Classification: Uncertain significance. Last evaluated: 2024-09-02. Review status: criteria provided, single submitter. Criteria: Invitae Variant Classification Sherloc (09022015). Collection method: clinical testing. Allele origin: germline.
Comment: This sequence change falls in intron 9 of the ALPK3 gene. It does not directly change the encoded amino acid sequence of the ALPK3 protein. This variant is not present in population databases (gnomAD no frequency). This variant has not been reported in the literature in individuals affected with ALPK3-related conditions. Algorithms developed to predict the effect of sequence changes on RNA splicing suggest that this variant may disrupt the consensus splice site. In summary, the available evidence is currently insufficient to determine the role of this variant in disease. Therefore, it has been classified as a Variant of Uncertain Significance.